The following is an entry in ClinVar:

ClinVar aggregate classification (germline): Uncertain significance (1 of 4 stars; one submission).

Conditions:
Inborn genetic diseases. Identifiers: MedGen C0950123, MeSH D030342.

gnomAD v4.1: 3 of 1,614,090 alleles (0.00019%); highest among the groups gnomAD compares: Non-Finnish European, 0.00025%; no homozygotes.

Submission:

Ambry Genetics
Classification: Uncertain significance for Inborn genetic diseases. Last evaluated: 2024-05-31. Review status: criteria provided, single submitter. Criteria: Ambry Variant Classification Scheme 2023. Collection method: clinical testing. Allele origin: germline.
Comment: The p.S220F variant (also known as c.659C>T), located in coding exon 6 of the BUB1B gene, results from a C to T substitution at nucleotide position 659. The serine at codon 220 is replaced by phenylalanine, an amino acid with highly dissimilar properties. This amino acid position is conserved. In addition, this alteration is predicted to be tolerated by in silico analysis. Based on the available evidence, the clinical significance of this variant remains unclear.

NM_001211.6(BUB1B):c.659C>T (p.Ser220Phe)

Gene: BUB1B (BUB1 mitotic checkpoint serine/threonine kinase B; plus strand). Cytogenetic location: 15q15.1.
Variant type: single nucleotide variant.
Coding change: c.659C>T on transcript NM_001211.6 (MANE Select); coding-DNA position 659, C replaced by T.
Protein change: p.Ser220Phe; replaces serine 220 with phenylalanine.
Molecular consequence: missense variant.
Genome position (GRCh38, 1-based): chr15:40,183,791, C>T. VCF-style: chr15-40183791-C-T. GRCh37 (hg19) VCF-style: chr15-40475992-C-T.
Other names: short protein forms S220F.
Identifiers: ClinVar variation 3262206 (VCV003262206.1).